The following is an entry in ClinVar:

ClinVar aggregate classification (germline): Uncertain significance (1 of 4 stars; one submission).

Allele frequency attached by ClinVar (database versions not stated): gnomAD 0.00001; TOPMed 0.00001.
gnomAD v4.1: 5 of 1,547,668 alleles (0.00032%); highest among the groups gnomAD compares: Admixed American, 0.0019%; no homozygotes.

Submission:

Labcorp Genetics (formerly Invitae), Labcorp
Classification: Uncertain significance. Last evaluated: 2023-08-17. Review status: criteria provided, single submitter. Criteria: Invitae Variant Classification Sherloc (09022015). Collection method: clinical testing. Allele origin: germline.
Comment: In summary, the available evidence is currently insufficient to determine the role of this variant in disease. Therefore, it has been classified as a Variant of Uncertain Significance. Advanced modeling of protein sequence and biophysical properties (such as structural, functional, and spatial information, amino acid conservation, physicochemical variation, residue mobility, and thermodynamic stability) performed at Invitae indicates that this missense variant is not expected to disrupt PDZD7 protein function. ClinVar contains an entry for this variant (Variation ID: 1907057). This variant has not been reported in the literature in individuals affected with PDZD7-related conditions. This variant is not present in population databases (gnomAD no frequency). This sequence change replaces glycine, which is neutral and non-polar, with serine, which is neutral and polar, at codon 340 of the PDZD7 protein (p.Gly340Ser).

NM_001195263.2(PDZD7):c.1018G>A (p.Gly340Ser)

Gene: PDZD7 (PDZ domain containing 7; minus strand). Cytogenetic location: 10q24.31.
Variant type: single nucleotide variant.
Coding change: c.1018G>A on transcript NM_001195263.2 (MANE Select); coding-DNA position 1018, G replaced by A.
Protein change: p.Gly340Ser; replaces glycine 340 with serine.
Molecular consequence: missense variant.
Genome position (GRCh38, 1-based): chr10:101,019,128, C>T on the plus strand (G>A on the coding strand, the complement: PDZD7 is on the minus strand). VCF-style: chr10-101019128-C-T. GRCh37 (hg19) VCF-style: chr10-102778885-C-T.
Other names: c.1018G>A, p.Gly340Ser (NM_001351044.2, NM_024895.5); short protein forms G340S.
Identifiers: ClinVar variation 1907057 (VCV001907057.5), dbSNP rs771074809, ClinGen allele CA5654186.